The following is an entry in ClinVar:

ClinVar aggregate classification (germline): Uncertain significance (1 of 4 stars; one submission).

Submission:

Labcorp Genetics (formerly Invitae), Labcorp
Classification: Uncertain significance. Last evaluated: 2024-04-10. Review status: criteria provided, single submitter. Criteria: Invitae Variant Classification Sherloc (09022015). Collection method: clinical testing. Allele origin: germline.
Comment: This sequence change replaces valine, which is neutral and non-polar, with alanine, which is neutral and non-polar, at codon 29 of the SAR1B protein (p.Val29Ala). This variant is not present in population databases (gnomAD no frequency). This variant has not been reported in the literature in individuals affected with SAR1B-related conditions. ClinVar contains an entry for this variant (Variation ID: 1349188). An algorithm developed to predict the effect of missense changes on protein structure and function (PolyPhen-2) suggests that this variant is likely to be disruptive. In summary, the available evidence is currently insufficient to determine the role of this variant in disease. Therefore, it has been classified as a Variant of Uncertain Significance.

NM_016103.4(SAR1B):c.86T>C (p.Val29Ala)

Gene: SAR1B (secretion associated Ras related GTPase 1B; minus strand). Cytogenetic location: 5q31.1.
Variant type: single nucleotide variant.
Coding change: c.86T>C on transcript NM_016103.4 (MANE Select); coding-DNA position 86, T replaced by C.
Protein change: p.Val29Ala; replaces valine 29 with alanine.
Molecular consequence: missense variant.
Genome position (GRCh38, 1-based): chr5:134,621,025, A>G on the plus strand (T>C on the coding strand, the complement: SAR1B is on the minus strand). VCF-style: chr5-134621025-A-G. GRCh37 (hg19) VCF-style: chr5-133956715-A-G.
Other names: c.86T>C, p.Val29Ala (NM_001033503.3); short protein forms V29A.
Identifiers: ClinVar variation 1349188 (VCV001349188.6), dbSNP rs2150054202, ClinGen allele CA361003752.